The following is an entry in ClinVar:

NM_007294.4(BRCA1):c.2941C>G (p.Pro981Ala)

Gene: BRCA1 (BRCA1 DNA repair associated; minus strand). Cytogenetic location: 17q21.31.
Variant type: single nucleotide variant.
Coding change: c.2941C>G on transcript NM_007294.4 (MANE Select); coding-DNA position 2941, C replaced by G.
Protein change: p.Pro981Ala; replaces proline 981 with alanine.
Molecular consequence: missense variant. On other transcripts: intron variant (137).
Genome position (GRCh38, 1-based): chr17:43,092,590, G>C on the plus strand (C>G on the coding strand, the complement: BRCA1 is on the minus strand). VCF-style: chr17-43092590-G-C. GRCh37 (hg19) VCF-style: chr17-41244607-G-C.
Other names: c.665-1558C>G (NM_001408426.1, NM_001408436.1, NM_001408444.1 and 12 more transcripts); c.788-1558C>G (NM_001407982.1, NM_001407970.1, NM_001407980.1 and 17 more transcripts); c.647-1558C>G (NM_001408458.1, NM_001408469.1, NM_001408453.1 and 11 more transcripts); c.284-1558C>G (NM_001408512.1); c.407-1558C>G (NM_001408510.1); c.644-1558C>G (NM_001408470.1, NM_001408464.1, NM_001408468.1 and 3 more transcripts); c.785-1558C>G (NM_001408397.1, NM_001408401.1, NM_001408396.1 and 13 more transcripts); c.2800C>G, p.Pro934Ala (NM_007297.4, NM_001407851.1, NM_001407852.1 and 29 more transcripts); and 41 more; short protein forms P685A, P813A, P853A, P854A, P869A, P870A, P892A, P893A.
Identifiers: ClinVar variation 2683815 (VCV002683815.1), dbSNP rs1555588677, ClinGen allele CA10596115.
Genomic context (GRCh38, chr17:43,092,590, plus strand): 5'-CCTCTAGCAGATTTTTCTTACATTTAGTTTTAACAAATGACTTGATGGGAAAAAGTGGTG[G>C]TATACGATATGGGTTTTGTAAAAGTCCATGTTTATTTGGAGTAATGAGTCCAGTTTCGTT-3'
Protein context (NP_009225.1, residues 971-991): HGLLQNPYRI[Pro981Ala]PLFPIKSFVK

ClinVar aggregate classification (germline): Likely benign (0 of 4 stars; one submission).

Conditions:
Breast-ovarian cancer, familial, susceptibility to, 1 (BROVCA1). Also called: BRCA1 Hereditary Breast and Ovarian Cancer; OVARIAN CANCER, SUSCEPTIBILITY TO. Identifiers: Orphanet 145, MedGen C2676676, MONDO:0011450, OMIM 604370. Disease mechanism: loss of function.

Submission:

Department of Medical and Surgical Sciences, University of Bologna
Classification: Likely benign for Breast-ovarian cancer, familial, susceptibility to, 1. Last evaluated: 2023-09-01. Review status: no assertion criteria provided. Collection method: clinical testing. Allele origin: germline. Affected: yes.
Comment: PM2(Supporting)+BP1(Strong) according to ACMG/AMP classification guidelines specified for BRCA1 & BRCA2 (Classification Criteria V1.0.0 2023-09-08) (PMID: 38160042)